The following is an entry in ClinVar:

NM_017721.5(CC2D1A):c.1223G>C (p.Gly408Ala)

Gene: CC2D1A (coiled-coil and C2 domain containing 1A; plus strand). Cytogenetic location: 19p13.12.
Variant type: single nucleotide variant.
Coding change: c.1223G>C on transcript NM_017721.5 (MANE Select); coding-DNA position 1223, G replaced by C.
Protein change: p.Gly408Ala; replaces glycine 408 with alanine.
Molecular consequence: missense variant.
Genome position (GRCh38, 1-based): chr19:13,919,818, G>C. VCF-style: chr19-13919818-G-C. GRCh37 (hg19) VCF-style: chr19-14030631-G-C.
Other names: c.1223G>C, p.Gly408Ala (NM_001411138.1); short protein forms G408A.
Identifiers: ClinVar variation 4847353 (VCV004847353.1).
Genomic context (GRCh38, chr19:13,919,818, plus strand): 5'-AATGGTGTGAGTTGGTCTCCATCCTGACACACAATAACCAGGCCTCGACTGGCCACCCAG[G>C]CTTCCCCCCAATCCAGGGCCTGGAGGCCACCAAGCCCACCCAGCAGAGTCTGGTGGGTGT-3'
Protein context (NP_060191.3, residues 398-418): VDVAELPVPP[Gly408Ala]FPPIQGLEAT

ClinVar aggregate classification (germline): Uncertain significance (1 of 4 stars; one submission).

Submission:

Women's Health and Genetics/Laboratory Corporation of America, LabCorp
Classification: Uncertain significance. Last evaluated: 2026-03-10. Review status: criteria provided, single submitter. Criteria: LabCorp Variant Classification Summary - May 2015. Collection method: clinical testing. Allele origin: germline.
Comment: Variant summary: CC2D1A c.1223G>C (p.Gly408Ala) results in a non-conservative amino acid change in the encoded protein sequence. Algorithms developed to predict the effect of missense changes on protein structure and function are either unavailable or do not agree on the potential impact of this missense change. Several computational tools predict a significant impact on normal splicing: Two predict the variant abolishes a 3' acceptor site. One predicts the variant strengthens a cryptic 3' acceptor site. However, these predictions have yet to be confirmed by functional studies. The frequency data for this variant in gnomAD is considered unreliable, as metrics indicate poor data quality at this position. To our knowledge, no occurrence of c.1223G>C in individuals affected with CC2D1A-related conditions and no experimental evidence demonstrating its impact on protein function have been reported. No submitters have cited clinical-significance assessments for this variant to ClinVar. Based on the evidence outlined above, the variant was classified as uncertain significance.